The following is an entry in ClinVar:

NM_000287.4(PEX6):c.882+1G>A

Gene: PEX6 (peroxisomal biogenesis factor 6; minus strand). Cytogenetic location: 6p21.1.
Variant type: single nucleotide variant.
Coding change: c.882+1G>A on transcript NM_000287.4 (MANE Select); the canonical splice donor site of the intron after coding-DNA position 882, G replaced by A.
Molecular consequence: splice donor variant. On other transcripts: intron variant (1).
Genome position (GRCh38, 1-based): chr6:42,978,268, C>T on the plus strand (G>A on the coding strand, the complement: PEX6 is on the minus strand). VCF-style: chr6-42978268-C-T. GRCh37 (hg19) VCF-style: chr6-42946006-C-T.
Other names: c.618+265G>A (NM_001316313.2); c.882+1G>A (NM_000287.3).
Identifiers: ClinVar variation 973865 (VCV000973865.9), dbSNP rs267608207, ClinGen allele CA138237421.

ClinVar aggregate classification (germline): Pathogenic/Likely pathogenic. Review status: criteria provided, multiple submitters, no conflicts (2 of 4 stars). 5 submissions from 5 submitters: Pathogenic (3); Likely pathogenic (2). Last evaluated 2024-09-30.

Conditions:
Peroxisome biogenesis disorder 4A (Zellweger) (PBD4A). Also called: Zellweger syndrome spectrum (PEX6-related). Identifiers: Orphanet 912, MedGen C3553936, MONDO:0013930, OMIM 614862. Disease mechanism: loss of function.
Peroxisome biogenesis disorder. Identifiers: Orphanet 79189, MedGen C1832200, MONDO:0019234. Disease mechanism: loss of function.
Zellweger spectrum disorders (ZS). Also called: Zellweger Spectrum Disorder; Zellweger Spectrum; Zellweger syndrome; Zellweger Spectrum Disorder (ZSD). Identifiers: Orphanet 912, MedGen C0043459, MONDO:0019609.
Peroxisome biogenesis disorder 4B (PBD4B). Also called: SPINOCEREBELLAR ATAXIA WITH BLINDNESS AND DEAFNESS 1. Identifiers: Orphanet 44, Orphanet 95433, MedGen C3553937, MONDO:0013931, OMIM 614863.
Heimler syndrome 2 (HMLR2). Also called: PEROXISOME BIOGENESIS DISORDER 4C. Identifiers: Orphanet 3220, MedGen C4225267, OMIM 616617, MONDO:0014709.

Submissions (5):

Labcorp Genetics (formerly Invitae), Labcorp
Classification: Pathogenic for Peroxisome biogenesis disorder. Last evaluated: 2024-09-30. Review status: criteria provided, single submitter. Criteria: Invitae Variant Classification Sherloc (09022015). Collection method: clinical testing. Allele origin: germline.
Comment: This sequence change affects a donor splice site in intron 1 of the PEX6 gene. It is expected to disrupt RNA splicing. Variants that disrupt the donor or acceptor splice site typically lead to a loss of protein function (PMID: 16199547), and loss-of-function variants in PEX6 are known to be pathogenic (PMID: 10408779, 21031596, 31831025). This variant is not present in population databases (gnomAD no frequency). Disruption of this splice site has been observed in individual(s) with PEX6-related conditions (PMID: 15542397). In at least one individual the data is consistent with being in trans (on the opposite chromosome) from a pathogenic variant. This variant is also known as IVS1+1G>A. ClinVar contains an entry for this variant (Variation ID: 973865). Algorithms developed to predict the effect of sequence changes on RNA splicing suggest that this variant may disrupt the consensus splice site. For these reasons, this variant has been classified as Pathogenic.

Natera, Inc.
Classification: Likely pathogenic for Zellweger syndrome. Last evaluated: 2024-03-25. Review status: criteria provided, single submitter. Criteria: Natera Variant Classification Schema (03/2026). Collection method: clinical testing. Allele origin: germline.
Comment: The c.882+1G>A variant in PEX6 is a canonical splice donor site variant predicted to affect pre-mRNA splicing, which may result in an abnormal transcript and altered protein product. This variant is rare in the general population with a frequency below the threshold expected for the associated phenotype(s). This variant has been observed in one or more individuals affected with the associated recessive disease, as either homozygous or compound heterozygous with a second variant (PMID: 19877282, 15542397). Additionally, this variant has been observed to segregate in affected family members (PMID: 26387595). Given the available evidence, this variant is classified as Likely Pathogenic.

Fulgent Genetics
Classification: Likely pathogenic for Peroxisome biogenesis disorder 4A (Zellweger); Peroxisome biogenesis disorder 4B; Heimler syndrome 2. Last evaluated: 2024-03-12. Review status: criteria provided, single submitter. Criteria: ACMG Guidelines, 2015. Collection method: clinical testing. Allele origin: germline.

Baylor Genetics
Classification: Pathogenic for Heimler syndrome 2. Last evaluated: 2024-02-05. Review status: criteria provided, single submitter. Criteria: ACMG Guidelines, 2015. Collection method: clinical testing. Allele origin: unknown.

Johns Hopkins Genomics, Johns Hopkins University
Classification: Pathogenic for Peroxisome biogenesis disorder 4A (Zellweger). Last evaluated: 2020-01-23. Review status: criteria provided, single submitter. Criteria: ACMG Guidelines, 2015. Collection method: clinical testing. Allele origin: germline.

Literature cited by the submitters: PubMed 16199547 (cited by Labcorp Genetics (formerly Invitae), Labcorp); PubMed 10408779 (cited by Labcorp Genetics (formerly Invitae), Labcorp); PubMed 21031596 (cited by Labcorp Genetics (formerly Invitae), Labcorp); PubMed 31831025 (cited by Labcorp Genetics (formerly Invitae), Labcorp); PubMed 15542397 (cited by 3 submitters); PubMed 19877282 (cited by Natera, Inc. and Johns Hopkins Genomics, Johns Hopkins University); PubMed 26387595 (cited by Natera, Inc.); PubMed 19142205 (cited by Johns Hopkins Genomics, Johns Hopkins University); PubMed 27302843 (cited by Johns Hopkins Genomics, Johns Hopkins University).